The following is an entry in ClinVar:

NM_032119.4(ADGRV1):c.18629del (p.Pro6210fs)

Gene: ADGRV1 (adhesion G protein-coupled receptor V1; plus strand). Cytogenetic location: 5q14.3.
Variant type: Deletion.
Coding change: c.18629del on transcript NM_032119.4 (MANE Select); coding-DNA position 18629, one base deleted (C; older notation c.18629delC).
Protein change: p.Pro6210fs; shifts the reading frame from proline 6210.
Molecular consequence: frameshift variant. On other transcripts: non-coding transcript variant (1).
Genome position (GRCh38, 1-based): chr5:91,153,225, C deleted; the last of 2 consecutive C bases (chr5:91,153,224-91,153,225); deleting either gives the same sequence. VCF-style (leftmost placement, unchanged base first): chr5-91153223-GC-G. GRCh37 (hg19) VCF-style: chr5-90449040-GC-G.
Other names: short protein forms P6210fs.
Identifiers: ClinVar variation 2841725 (VCV002841725.3), dbSNP rs2533410888, ClinGen allele CA2739274918.

ClinVar aggregate classification (germline): Pathogenic (1 of 4 stars; one submission).

Submission:

Labcorp Genetics (formerly Invitae), Labcorp
Classification: Pathogenic. Last evaluated: 2023-03-01. Review status: criteria provided, single submitter. Criteria: Invitae Variant Classification Sherloc (09022015). Collection method: clinical testing. Allele origin: germline.
Comment: For these reasons, this variant has been classified as Pathogenic. This variant has not been reported in the literature in individuals affected with ADGRV1-related conditions. This variant is not present in population databases (gnomAD no frequency). This sequence change creates a premature translational stop signal (p.Pro6210Hisfs*19) in the ADGRV1 gene. It is expected to result in an absent or disrupted protein product. Loss-of-function variants in ADGRV1 are known to be pathogenic (PMID: 19357117, 22135276, 22147658, 26226137, 30718709, 31047384, 32467589).

Literature cited by the submitters: PubMed 19357117; PubMed 22135276; PubMed 22147658; PubMed 26226137; PubMed 30718709; PubMed 31047384; PubMed 32467589.